The following is an entry in ClinVar:

ClinVar aggregate classification (germline): Uncertain significance. Review status: criteria provided, multiple submitters, no conflicts (2 of 4 stars). 2 submissions from 2 submitters: Uncertain significance (2). Last evaluated 2025-09-27.

Conditions:
Pitt-Hopkins-like syndrome 2 (PTHSL2). Identifiers: Orphanet 221150, Orphanet 600663, MedGen C3280479, MONDO:0013690, OMIM 614325.

gnomAD v4.1: 3 of 1,613,822 alleles (0.00019%); highest among the groups gnomAD compares: East Asian, 0.0022%; no homozygotes.

Submissions (2):

Labcorp Genetics (formerly Invitae), Labcorp
Classification: Uncertain significance for Pitt-Hopkins-like syndrome 2. Last evaluated: 2025-09-27. Review status: criteria provided, single submitter. Criteria: Invitae Variant Classification Sherloc (09022015). Collection method: clinical testing. Allele origin: germline.
Comment: This sequence change replaces aspartic acid, which is acidic and polar, with asparagine, which is neutral and polar, at codon 927 of the NRXN1 protein (p.Asp927Asn). This variant is not present in population databases (gnomAD no frequency). This variant has not been reported in the literature in individuals affected with NRXN1-related conditions. ClinVar contains an entry for this variant (Variation ID: 206251). An algorithm developed to predict the effect of missense changes on protein structure and function (PolyPhen-2) suggests that this variant is likely to be disruptive. In summary, the available evidence is currently insufficient to determine the role of this variant in disease. Therefore, it has been classified as a Variant of Uncertain Significance.

GeneDx
Classification: Uncertain significance. Last evaluated: 2014-05-13. Review status: criteria provided, single submitter. Criteria: GeneDx Variant Classification (06012015). Collection method: clinical testing. Allele origin: germline. Affected: yes.
Comment: The D927N variant has not been published as a mutation, nor has it been reported as a benign polymorphism to our knowledge. It was not observed in approximately 6,200 individuals of European and African American ancestry in the NHLBI Exome Sequencing Project, indicating it is not a common benign variant in these populations. The D927N variant is a semi-conservative amino acid substitution, which may impact secondary protein structure as these residues differ in some properties. This substitution occurs at a position that is conserved across species in the fifth laminin-G like domain. However, in silico analysis is inconsistent in its predictions as to whether or not the variant is damaging to the protein structure/function. Therefore, based on the currently available information, it is unclear whether this variant is a pathogenic mutation or a rare benign variant. The variant is found in CHILD-EPI panel(s).

NM_001330078.2(NRXN1):c.2659G>A (p.Asp887Asn)

Gene: NRXN1 (neurexin 1; minus strand). Cytogenetic location: 2p16.3.
Variant type: single nucleotide variant.
Coding change: c.2659G>A on transcript NM_001330078.2 (MANE Select); coding-DNA position 2659, G replaced by A.
Protein change: p.Asp887Asn; replaces aspartic acid 887 with asparagine.
Molecular consequence: missense variant.
Genome position (GRCh38, 1-based): chr2:50,497,553, C>T on the plus strand (G>A on the coding strand, the complement: NRXN1 is on the minus strand). VCF-style: chr2-50497553-C-T. GRCh37 (hg19) VCF-style: chr2-50724691-C-T.
Other names: p.D927N:GAC>AAC; c.2779G>A, p.Asp927Asn (NM_001135659.3); c.2635G>A, p.Asp879Asn (NM_001330077.2, NM_001330082.2); c.2593G>A, p.Asp865Asn (NM_001330083.2, NM_001330084.2); c.2632G>A, p.Asp878Asn (NM_001330085.2); c.2659G>A, p.Asp887Asn (NM_001330086.2, NM_004801.6); c.2548G>A, p.Asp850Asn (NM_001330087.2, NM_001330096.2); c.2578G>A, p.Asp860Asn (NM_001330088.2); and 3 more; short protein forms D927N, D870N, D883N, D878N, D879N, D886N, D887N, D850N.
Identifiers: ClinVar variation 206251 (VCV000206251.8), dbSNP rs796052780, ClinGen allele CA316149.